The following is an entry in ClinVar:

ClinVar aggregate classification (germline): Uncertain significance (1 of 4 stars; one submission).

Conditions:
Pulmonary fibrosis and/or bone marrow failure, Telomere-related, 3. Also called: PULMONARY FIBROSIS AND/OR BONE MARROW FAILURE SYNDROME, TELOMERE-RELATED, 3. Identifiers: Orphanet 2032, MedGen C4225346, MONDO:0014613, OMIM 616373.
Dyskeratosis congenita, autosomal recessive 5 (DKCB5). Identifiers: MedGen C3554656, MONDO:0014076, OMIM 615190.

Submission:

Labcorp Genetics (formerly Invitae), Labcorp
Classification: Uncertain significance for Dyskeratosis congenita, autosomal recessive 5; Pulmonary fibrosis and/or bone marrow failure, Telomere-related, 3. Last evaluated: 2025-03-10. Review status: criteria provided, single submitter. Criteria: Invitae Variant Classification Sherloc (09022015). Collection method: clinical testing. Allele origin: germline.
Comment: This sequence change replaces phenylalanine, which is neutral and non-polar, with serine, which is neutral and polar, at codon 952 of the RTEL1 protein (p.Phe952Ser). This variant is not present in population databases (gnomAD no frequency). This variant has not been reported in the literature in individuals affected with RTEL1-related conditions. An algorithm developed to predict the effect of missense changes on protein structure and function (PolyPhen-2) suggests that this variant is likely to be disruptive. In summary, the available evidence is currently insufficient to determine the role of this variant in disease. Therefore, it has been classified as a Variant of Uncertain Significance.

NM_001283009.2(RTEL1):c.2855T>C (p.Phe952Ser)

Genes: RTEL1 (regulator of telomere elongation helicase 1; plus strand), RTEL1-TNFRSF6B (RTEL1-TNFRSF6B readthrough (NMD candidate); plus strand). Cytogenetic location: 20q13.33.
Variant type: single nucleotide variant.
Coding change: c.2855T>C on transcript NM_001283009.2 (MANE Select); coding-DNA position 2855, T replaced by C.
Protein change: p.Phe952Ser; replaces phenylalanine 952 with serine.
Molecular consequence: missense variant. On other transcripts: non-coding transcript variant (1).
Genome position (GRCh38, 1-based): chr20:63,693,146, T>C. VCF-style: chr20-63693146-T-C. GRCh37 (hg19) VCF-style: chr20-62324499-T-C.
Other names: c.2186T>C, p.Phe729Ser (NM_001283010.1); c.2855T>C, p.Phe952Ser (NM_016434.4); c.2927T>C, p.Phe976Ser (NM_032957.5); short protein forms F729S, F952S, F976S.
Identifiers: ClinVar variation 4794209 (VCV004794209.1).